The following is an entry in ClinVar:

NM_177438.3(DICER1):c.2619T>C (p.Asp873=)

Gene: DICER1 (dicer 1, ribonuclease III; minus strand). Cytogenetic location: 14q32.13.
Variant type: single nucleotide variant.
Coding change: c.2619T>C on transcript NM_177438.3 (MANE Select); coding-DNA position 2619, T replaced by C.
Protein change: p.Asp873=; no amino-acid change (aspartic acid 873 retained).
Molecular consequence: synonymous variant. On other transcripts: non-coding transcript variant (6).
Genome position (GRCh38, 1-based): chr14:95,107,911, A>G on the plus strand (T>C on the coding strand, the complement: DICER1 is on the minus strand). VCF-style: chr14-95107911-A-G. GRCh37 (hg19) VCF-style: chr14-95574248-A-G.
Other names: c.2619T>C, p.Asp873= (NM_001195573.1, NM_001271282.3, NM_001291628.2 and 13 more transcripts); c.2337T>C, p.Asp779= (NM_001395686.1); c.2214T>C, p.Asp738= (NM_001395687.1, NM_001395688.1, NM_001395689.1 and 2 more transcripts); c.2052T>C, p.Asp684= (NM_001395691.1); c.936T>C, p.Asp312= (NM_001395697.1).
Identifiers: ClinVar variation 1793897 (VCV001793897.10), dbSNP rs890402869, ClinGen allele CA487844764.

ClinVar aggregate classification (germline): Likely benign. Review status: criteria provided, multiple submitters, no conflicts (2 of 4 stars). 2 submissions from 2 submitters: Likely benign (2). Last evaluated 2025-08-01.

Conditions:
Hereditary cancer-predisposing syndrome. Also called: Hereditary neoplastic syndrome; Neoplastic Syndromes, Hereditary; Tumor predisposition; Hereditary Cancer Syndrome. Identifiers: Orphanet 140162, MedGen C0027672, MeSH D009386, MONDO:0015356.

Submissions (2):

CeGaT Center for Human Genetics Tuebingen
Classification: Likely benign. Last evaluated: 2025-08-01. Review status: criteria provided, single submitter. Criteria: CeGaT Center For Human Genetics Tuebingen Variant Classification Criteria Version 2. Collection method: clinical testing. Allele origin: germline. Affected: yes. Observed: 1 variant allele.
Comment: DICER1: PM2:Supporting, BP4, BP7

Ambry Genetics
Classification: Likely benign for Hereditary cancer-predisposing syndrome. Last evaluated: 2021-05-04. Review status: criteria provided, single submitter. Criteria: Ambry Variant Classification Scheme 2023. Collection method: clinical testing. Allele origin: germline.